The following is an entry in ClinVar:

ClinVar aggregate classification (germline): Benign (1 of 4 stars; one submission).

Conditions:
Thyroid hormone resistance, generalized, autosomal dominant (GRTHD). Also called: HYPERTHYROXINEMIA, FAMILIAL EUTHYROID, SECONDARY TO PITUITARY AND PERIPHERAL RESISTANCE TO THYROID HORMONES. Identifiers: MedGen C2937288, MONDO:0008569, OMIM 188570.

Allele frequency attached by ClinVar (database versions not stated): gnomAD 0.00022 and 0.00037; TOPMed 0.00057; 1000 Genomes Project 30x 0.00234; 1000 Genomes Project 0.00240.

Submission:

Illumina Laboratory Services, Illumina
Classification: Benign for Thyroid hormone resistance, generalized, autosomal dominant. Last evaluated: 2018-01-12. Review status: criteria provided, single submitter. Criteria: ICSL Variant Classification Criteria 13 December 2019. Collection method: clinical testing. Allele origin: germline.
Comment: This variant was observed in the ICSL laboratory as part of a predisposition screen in an ostensibly healthy population. It had not been previously curated by ICSL or reported in the Human Gene Mutation Database (HGMD: prior to June 1st, 2018), and was therefore a candidate for classification through an automated scoring system. Utilizing variant allele frequency, disease prevalence and penetrance estimates, and inheritance mode, an automated score was calculated to assess if this variant is too frequent to cause the disease. Based on the score and internal cut-off values, a variant classified as benign is not then subjected to further curation. The score for this variant resulted in a classification of benign for this disease.

NM_001354712.2(THRB):c.*2105T>G

Gene: THRB (thyroid hormone receptor beta; minus strand). Cytogenetic location: 3p24.2.
Variant type: single nucleotide variant.
Coding change: c.*2105T>G on transcript NM_001354712.2 (MANE Select); 2105 bases downstream of the stop codon, T replaced by G.
Molecular consequence: 3 prime UTR variant.
Genome position (GRCh38, 1-based): chr3:24,120,779, A>C on the plus strand (T>G on the coding strand, the complement: THRB is on the minus strand). VCF-style: chr3-24120779-A-C. GRCh37 (hg19) VCF-style: chr3-24162270-A-C.
Other names: c.*2105T>G (NM_000461.5, NM_001128176.3, NM_001128177.2 and 8 more transcripts).
Identifiers: ClinVar variation 344600 (VCV000344600.5), dbSNP rs138358071, ClinGen allele CA10617954.